The following is an entry in ClinVar:

NM_020297.4(ABCC9):c.4162A>G (p.Arg1388Gly)

Genes: ABCC9 (ATP binding cassette subfamily C member 9; minus strand), KCNJ8-AS1 (KCNJ8 antisense RNA 1; plus strand). Cytogenetic location: 12p12.1.
Variant type: single nucleotide variant.
Coding change: c.4162A>G on transcript NM_020297.4 (MANE Select); coding-DNA position 4162, A replaced by G.
Protein change: p.Arg1388Gly; replaces arginine 1388 with glycine.
Molecular consequence: missense variant.
Genome position (GRCh38, 1-based): chr12:21,812,098, T>C on the plus strand (A>G on the coding strand, the complement: ABCC9 is on the minus strand). VCF-style: chr12-21812098-T-C. GRCh37 (hg19) VCF-style: chr12-21965032-T-C.
Other names: c.4162A>G, p.Arg1388Gly (NM_001377273.1, NM_005691.4); c.3295A>G, p.Arg1099Gly (NM_001377274.1); short protein forms R1099G, R1388G.
Identifiers: ClinVar variation 1677713 (VCV001677713.6), dbSNP rs1942282778, ClinGen allele CA384134870.

ClinVar aggregate classification (germline): Uncertain significance. Review status: criteria provided, multiple submitters, no conflicts (2 of 4 stars). 2 submissions from 2 submitters: Uncertain significance (2). Last evaluated 2022-08-16.

Conditions:
Dilated cardiomyopathy 1O (CMD1O). Also called: CARDIOMYOPATHY, DILATED, WITH VENTRICULAR TACHYCARDIA. Identifiers: Orphanet 154, MedGen C1837839, MONDO:0012062, OMIM 608569.

Allele frequency attached by ClinVar (database versions not stated): TOPMed below 0.00001.
gnomAD v4.1: 1 of 1,613,440 alleles (0.000062%); no homozygotes.

Submissions (2):

Labcorp Genetics (formerly Invitae), Labcorp
Classification: Uncertain significance for Dilated cardiomyopathy 1O. Last evaluated: 2022-08-16. Review status: criteria provided, single submitter. Criteria: Invitae Variant Classification Sherloc (09022015). Collection method: clinical testing. Allele origin: germline.
Comment: In summary, the available evidence is currently insufficient to determine the role of this variant in disease. Therefore, it has been classified as a Variant of Uncertain Significance. This sequence change replaces arginine, which is basic and polar, with glycine, which is neutral and non-polar, at codon 1388 of the ABCC9 protein (p.Arg1388Gly). This variant is not present in population databases (gnomAD no frequency). This variant has not been reported in the literature in individuals affected with ABCC9-related conditions. ClinVar contains an entry for this variant (Variation ID: 1677713). Algorithms developed to predict the effect of missense changes on protein structure and function are either unavailable or do not agree on the potential impact of this missense change (SIFT: "Deleterious"; PolyPhen-2: "Probably Damaging"; Align-GVGD: "Class C0").

AiLife Diagnostics
Classification: Uncertain significance. Last evaluated: 2021-12-16. Review status: criteria provided, single submitter. Criteria: ACMG Guidelines, 2015. Collection method: clinical testing. Allele origin: germline. Affected: yes. Observed: 1 variant allele.